The following is an entry in ClinVar:

ClinVar aggregate classification (germline): Uncertain significance (1 of 4 stars; one submission).

Conditions:
Inborn genetic diseases. Identifiers: MedGen C0950123, MeSH D030342.

Submission:

Ambry Genetics
Classification: Uncertain significance for Inborn genetic diseases. Last evaluated: 2023-02-28. Review status: criteria provided, single submitter. Criteria: Ambry Variant Classification Scheme 2023. Collection method: clinical testing. Allele origin: germline.
Comment: The p.S1095L variant (also known as c.3284C>T), located in coding exon 16 of the ATR gene, results from a C to T substitution at nucleotide position 3284. The serine at codon 1095 is replaced by leucine, an amino acid with dissimilar properties. This amino acid position is conserved. In addition, this alteration is predicted to be tolerated by in silico analysis. Since supporting evidence is limited at this time, the clinical significance of this alteration remains unclear.

NM_001184.4(ATR):c.3284C>T (p.Ser1095Leu)

Gene: ATR (ATR checkpoint kinase; minus strand). Cytogenetic location: 3q23.
Variant type: single nucleotide variant.
Coding change: c.3284C>T on transcript NM_001184.4 (MANE Select); coding-DNA position 3284, C replaced by T.
Protein change: p.Ser1095Leu; replaces serine 1095 with leucine.
Molecular consequence: missense variant.
Genome position (GRCh38, 1-based): chr3:142,547,798, G>A on the plus strand (C>T on the coding strand, the complement: ATR is on the minus strand). VCF-style: chr3-142547798-G-A. GRCh37 (hg19) VCF-style: chr3-142266640-G-A.
Other names: c.3092C>T, p.Ser1031Leu (NM_001354579.2); short protein forms S1031L, S1095L.
Identifiers: ClinVar variation 2496627 (VCV002496627.2), dbSNP rs1051324098, ClinGen allele CA84741744.